The following is an entry in ClinVar:

NM_001384140.1(PCDH15):c.4050_4051insT (p.Ile1351fs)

Gene: PCDH15 (protocadherin related 15; minus strand). Cytogenetic location: 10q21.1.
Variant type: Insertion.
Coding change: c.4050_4051insT on transcript NM_001384140.1 (MANE Select); coding-DNA positions 4050 to 4051, T inserted.
Protein change: p.Ile1351fs; shifts the reading frame from isoleucine 1351.
Molecular consequence: frameshift variant.
Genome position: GRCh38 VCF-style: chr10-53831466-T-TA. GRCh37 (hg19) VCF-style: chr10-55591226-T-TA.
Other names: c.4065_4066insT, p.Ile1356fs (NM_001142763.2, NM_001142771.2); c.4050_4051insT, p.Ile1351fs (NM_001142764.2, NM_001142766.2, NM_001142770.3 and 4 more transcripts); c.3837_3838insT, p.Ile1280fs (NM_001142765.2); c.3939_3940insT, p.Ile1314fs (NM_001142767.2); c.3984_3985insT, p.Ile1329fs (NM_001142768.2, NM_001142773.2, NM_001354404.2); c.4086_4087insT, p.Ile1363Tyrfs (NM_001142769.4); c.4071_4072insT, p.Ile1358fs (NM_001354411.2); short protein forms I1358fs, I1314fs, I1351fs, I1356fs, I1280fs, I1329fs, I1363fs.
Identifiers: ClinVar variation 4733933 (VCV004733933.1).

ClinVar aggregate classification (germline): Pathogenic (1 of 4 stars; one submission).

Submission:

Labcorp Genetics (formerly Invitae), Labcorp
Classification: Pathogenic. Last evaluated: 2025-12-22. Review status: criteria provided, single submitter. Criteria: Invitae Variant Classification Sherloc (09022015). Collection method: clinical testing. Allele origin: germline.
Comment: This sequence change creates a premature translational stop signal (p.Ile1351Tyrfs*14) in the PCDH15 gene. It is expected to result in an absent or disrupted protein product. Loss-of-function variants in PCDH15 are known to be pathogenic (PMID: 11398101, 11487575, 14570705). This variant is not present in population databases (gnomAD no frequency). This variant has not been reported in the literature in individuals affected with PCDH15-related conditions. For these reasons, this variant has been classified as Pathogenic.

Literature cited by the submitters: PubMed 11398101; PubMed 11487575; PubMed 14570705.